The following is an entry in ClinVar:

NM_001271893.4(TWIST2):c.203G>T (p.Arg68Leu)

Gene: TWIST2 (twist family bHLH transcription factor 2; plus strand). Cytogenetic location: 2q37.3.
Variant type: single nucleotide variant.
Coding change: c.203G>T on transcript NM_001271893.4 (MANE Select); coding-DNA position 203, G replaced by T.
Protein change: p.Arg68Leu; replaces arginine 68 with leucine.
Molecular consequence: missense variant.
Genome position (GRCh38, 1-based): chr2:238,848,418, G>T. VCF-style: chr2-238848418-G-T. GRCh37 (hg19) VCF-style: chr2-239757059-G-T.
Other names: c.203G>T, p.Arg68Leu (NM_057179.3); short protein forms R68L.
Identifiers: ClinVar variation 1706315 (VCV001706315.2), dbSNP rs2469773761, ClinGen allele CA351462833.

ClinVar aggregate classification (germline): Uncertain significance (1 of 4 stars; one submission).

Submission:

GeneDx
Classification: Uncertain significance. Last evaluated: 2022-03-15. Review status: criteria provided, single submitter. Criteria: GeneDx Variant Classification Process June 2021. Collection method: clinical testing. Allele origin: germline. Affected: yes.
Comment: Not observed at significant frequency in large population cohorts (gnomAD); In silico analysis supports that this missense variant has a deleterious effect on protein structure/function; Has not been previously published as pathogenic or benign to our knowledge